The following is an entry in ClinVar:

NM_001282860.2(GON4L):c.6135G>A (p.Val2045=)

Gene: GON4L (gon-4 like; minus strand). Cytogenetic location: 1q22.
Variant type: single nucleotide variant.
Coding change: c.6135G>A on transcript NM_001282860.2 (MANE Select); coding-DNA position 6135, G replaced by A.
Protein change: p.Val2045=; no amino-acid change (valine 2045 retained).
Molecular consequence: synonymous variant.
Genome position (GRCh38, 1-based): chr1:155,752,298, C>T on the plus strand (G>A on the coding strand, the complement: GON4L is on the minus strand). VCF-style: chr1-155752298-C-T. GRCh37 (hg19) VCF-style: chr1-155722089-C-T.
Other names: c.6135G>A, p.Val2045= (NM_001282856.2); c.6132G>A, p.Val2044= (NM_001282858.2).
Identifiers: ClinVar variation 3035123 (VCV003035123.2), dbSNP rs745365801, ClinGen allele CA1150034.

ClinVar aggregate classification (germline): Likely benign (0 of 4 stars; one submission).

Conditions:
GON4L-related disorder. Also called: GON4L-related condition.

Allele frequency attached by ClinVar (database versions not stated): ExAC 0.00001; gnomAD exomes 0.00003; gnomAD 0.00004; TOPMed 0.00006.
gnomAD v4.1: 43 of 1,587,036 alleles (0.0027%); highest among the groups gnomAD compares: Middle Eastern, 0.32%; 1 homozygote.

Submission:

PreventionGenetics, part of Exact Sciences
Classification: Likely benign for GON4L-related condition. Last evaluated: 2019-07-29. Review status: no assertion criteria provided. Collection method: clinical testing. Allele origin: germline.
Comment: This variant is classified as likely benign based on ACMG/AMP sequence variant interpretation guidelines (Richards et al. 2015 PMID: 25741868, with internal and published modifications).